The following is an entry in ClinVar:

ClinVar aggregate classification (germline): Pathogenic/Likely pathogenic. Review status: criteria provided, multiple submitters, no conflicts (2 of 4 stars). 9 submissions from 9 submitters: Pathogenic (4); Likely pathogenic (3). 2 of the submissions do not count toward it. Last evaluated 2025-11-07.

Conditions:
GDAP1-related disorder. Also called: GDAP1-related condition; GDAP1-related disorders.
Charcot-Marie-Tooth disease. Also called: Charcot-Marie-Tooth Neuropathy; Charcot-Marie-Tooth Hereditary Neuropathy. Identifiers: Orphanet 166, MedGen C0007959, MONDO:0015626.
Charcot-Marie-Tooth disease, axonal, with vocal cord paresis, autosomal recessive. Also called: CHARCOT-MARIE-TOOTH DISEASE, TYPE 4A, AXONAL FORM; CHARCOT-MARIE-TOOTH NEUROPATHY, AXONAL, WITH VOCAL CORD PARESIS, AUTOSOMAL RECESSIVE; CMT2 WITH VOCAL CORD PARESIS, AUTOSOMAL RECESSIVE. Identifiers: Orphanet 101097, MedGen C1843183, MONDO:0011898, OMIM 607706.
Charcot-Marie-Tooth disease recessive intermediate A (CMTRIA). Also called: CHARCOT-MARIE-TOOTH NEUROPATHY, RECESSIVE INTERMEDIATE A. Identifiers: Orphanet 217055, MedGen C1842197, MONDO:0012014, OMIM 608340.
Charcot-Marie-Tooth disease axonal type 2K (CMT2K). Also called: CHARCOT-MARIE-TOOTH DISEASE, AXONAL, AUTOSOMAL RECESSIVE, TYPE 2K; CHARCOT-MARIE-TOOTH NEUROPATHY, AXONAL, TYPE 2K; Charcot-Marie-Tooth disease type 2K. Identifiers: Orphanet 101097, Orphanet 99944, MedGen C1842983, MONDO:0011916, OMIM 607831.
Charcot-Marie-Tooth disease type 4A. Also called: Charcot-Marie-Tooth disease, demyelinating, autosomal recessive, type 4a. Identifiers: Orphanet 99948, MedGen C1859198, MONDO:0008961, OMIM 214400.
Peripheral neuropathy. Also called: Neuropathy. Identifiers: MedGen C0031117, MONDO:0005244, HP:0009830.

Allele frequency attached by ClinVar (database versions not stated): gnomAD 0.00001; TOPMed 0.00001; 1000 Genomes Project 0.00020; 1000 Genomes Project 30x 0.00031.
gnomAD v4.1: 16 of 1,613,894 alleles (0.00099%); highest among the groups gnomAD compares: Admixed American, 0.005%; no homozygotes.

Submissions (9):

Labcorp Genetics (formerly Invitae), Labcorp
Classification: Pathogenic for Charcot-Marie-Tooth disease type 4A. Last evaluated: 2025-11-07. Review status: criteria provided, single submitter. Criteria: Invitae Variant Classification Sherloc (09022015). Collection method: clinical testing. Allele origin: germline.
Comment: This sequence change replaces proline, which is neutral and non-polar, with leucine, which is neutral and non-polar, at codon 153 of the GDAP1 protein (p.Pro153Leu). This variant is present in population databases (rs538412810, gnomAD 0.006%). This missense change has been observed in individuals with autosomal recessive Charcot-Marie-Tooth disease (PMID: 18421898, 18504680, 28244113, 28751717; internal data). ClinVar contains an entry for this variant (Variation ID: 406135). Invitae Evidence Modeling of protein sequence and biophysical properties (such as structural, functional, and spatial information, amino acid conservation, physicochemical variation, residue mobility, and thermodynamic stability) indicates that this missense variant is not expected to disrupt GDAP1 protein function with a negative predictive value of 80%. For these reasons, this variant has been classified as Pathogenic.

3billion
Classification: Pathogenic for GDAP1-related disorder. Last evaluated: 2025-10-30. Review status: criteria provided, single submitter. Criteria: ACMG Guidelines, 2015. Collection method: clinical testing. Allele origin: germline. Affected: yes.
Comment: The variant is observed at an extremely low frequency in the gnomAD v4.1.0 dataset (total allele frequency: <0.001%). Predicted Consequence/Location: Missense variant In silico tool predictions suggest damaging effect of the variant on gene or gene product [REVEL: 0.90 (>=0.6, sensitivity 0.68 and specificity 0.92); 3Cnet: 0.99 (> 0.75, sensitivity 0.96 and precision 0.92)]. The same nucleotide change resulting in the same amino acid change has been previously reported as pathogenic/likely pathogenic with strong evidence (ClinVar ID: VCV000406135 /PMID: 18421898). The variant has been reported to be in trans with a pathogenic variant as either compound heterozygous or homozygous in at least one similarly affected unrelated individual (PMID: 18421898, 18504680, 28751717). A different missense change at the same codon (p.Pro153Ser) has been reported to be associated with GDAP1-related disorder (ClinVar ID: VCV001523298). Therefore, this variant is classified as Pathogenic according to the recommendation of ACMG/AMP guideline.

First Genomix Gene Laboratory, Genetic Diagnostics Department
Classification: Pathogenic for Charcot-Marie-Tooth disease type 4A; Charcot-Marie-Tooth disease axonal type 2K; Charcot-Marie-Tooth disease, axonal, with vocal cord paresis, autosomal recessive; Charcot-Marie-Tooth disease recessive intermediate A. Last evaluated: 2025-03-17. Review status: criteria provided, single submitter. Criteria: ACMG Guidelines, 2015. Collection method: clinical testing. Allele origin: germline. Inheritance: Autosomal recessive inheritance. Affected: no. Observed: 1 variant allele.

GeneDx
Classification: Likely pathogenic. Last evaluated: 2023-11-15. Review status: criteria provided, single submitter. Criteria: GeneDx Variant Classification Process June 2021. Collection method: clinical testing. Allele origin: germline. Affected: yes.
Comment: In silico analysis supports that this missense variant has a deleterious effect on protein structure/function; This variant is associated with the following publications: (PMID: 33477664, 28244113, 31673878, 28220846, 21892769, 18504680, 18421898, 28751717, 32657593)

Fulgent Genetics
Classification: Likely pathogenic for Charcot-Marie-Tooth disease type 4A; Charcot-Marie-Tooth disease, axonal, with vocal cord paresis, autosomal recessive; Charcot-Marie-Tooth disease axonal type 2K; Charcot-Marie-Tooth disease recessive intermediate A. Last evaluated: 2021-09-30. Review status: criteria provided, single submitter. Criteria: ACMG Guidelines, 2015. Collection method: clinical testing. Allele origin: unknown.

Kariminejad - Najmabadi Pathology & Genetics Center
Classification: Likely pathogenic for Peripheral neuropathy. Last evaluated: 2021-07-10. Review status: criteria provided, single submitter. Criteria: ACMG Guidelines, 2015. Collection method: clinical testing. Allele origin: germline. Affected: yes.

CMT Laboratory, Bogazici University
Classification: Pathogenic for Charcot-Marie-Tooth disease type 4A. Last evaluated: 2020-12-01. Review status: criteria provided, single submitter. Criteria: ACMG Guidelines, 2015. Collection method: clinical testing. Allele origin: germline. Affected: yes. Observed: 1 variant allele.

Inherited Neuropathy Consortium Ii, University Of Miami
Classification: Uncertain significance for Charcot-Marie-Tooth disease axonal type 2K. Last evaluated: 2016-01-06. Review status: no assertion criteria provided. Collection method: literature only. Allele origin: germline. Affected: yes. Not counted in ClinVar's aggregate classification.

Inherited Neuropathy Consortium
Classification: Uncertain significance for Charcot-Marie-Tooth disease. Review status: no assertion criteria provided. Collection method: literature only. Allele origin: germline. Affected: yes. Not counted in ClinVar's aggregate classification.

Literature cited by the submitters: PubMed 18421898 (cited by 4 submitters); PubMed 18504680 (cited by Labcorp Genetics (formerly Invitae), Labcorp and 3billion); PubMed 28244113 (cited by Labcorp Genetics (formerly Invitae), Labcorp); PubMed 28751717 (cited by Labcorp Genetics (formerly Invitae), Labcorp and 3billion); PubMed 31673878 (cited by CMT Laboratory, Bogazici University).

NM_018972.4(GDAP1):c.458C>T (p.Pro153Leu)

Gene: GDAP1 (ganglioside induced differentiation associated protein 1; plus strand). Cytogenetic location: 8q21.11.
Variant type: single nucleotide variant.
Coding change: c.458C>T on transcript NM_018972.4 (MANE Select); coding-DNA position 458, C replaced by T.
Protein change: p.Pro153Leu; replaces proline 153 with leucine.
Molecular consequence: missense variant. On other transcripts: intron variant (1).
Genome position (GRCh38, 1-based): chr8:74,360,284, C>T. VCF-style: chr8-74360284-C-T. GRCh37 (hg19) VCF-style: chr8-75272519-C-T.
Other names: c.254C>T, p.Pro85Leu (NM_001040875.4); c.131C>T, p.Pro44Leu (NM_001362929.2, NM_001362932.2); c.458C>T, p.Pro153Leu (NM_001362931.2); c.311-1600C>T (NM_001362930.2); short protein forms P153L, P44L, P85L.
Identifiers: ClinVar variation 406135 (VCV000406135.45), dbSNP rs538412810, ClinGen allele CA4785102.